The following is an entry in ClinVar:

NM_006231.4(POLE):c.3551G>A (p.Ser1184Asn)

Gene: POLE (DNA polymerase epsilon, catalytic subunit; minus strand). Cytogenetic location: 12q24.33.
Variant type: single nucleotide variant.
Coding change: c.3551G>A on transcript NM_006231.4 (MANE Select); coding-DNA position 3551, G replaced by A.
Protein change: p.Ser1184Asn; replaces serine 1184 with asparagine.
Molecular consequence: missense variant.
Genome position (GRCh38, 1-based): chr12:132,657,167, C>T on the plus strand (G>A on the coding strand, the complement: POLE is on the minus strand). VCF-style: chr12-132657167-C-T. GRCh37 (hg19) VCF-style: chr12-133233753-C-T.
Other names: short protein forms S1184N.
Identifiers: ClinVar variation 1732603 (VCV001732603.7), dbSNP rs2541998492, ClinGen allele CA387388401.

ClinVar aggregate classification (germline): Uncertain significance. Review status: criteria provided, multiple submitters, no conflicts (2 of 4 stars). 2 submissions from 2 submitters: Uncertain significance (2). Last evaluated 2025-01-21.

Conditions:
Hereditary cancer-predisposing syndrome. Also called: Neoplastic Syndromes, Hereditary; Tumor predisposition; Hereditary Cancer Syndrome; Hereditary neoplastic syndrome. Identifiers: Orphanet 140162, MedGen C0027672, MeSH D009386, MONDO:0015356.

Submissions (2):

Labcorp Genetics (formerly Invitae), Labcorp
Classification: Uncertain significance. Last evaluated: 2025-01-21. Review status: criteria provided, single submitter. Criteria: Invitae Variant Classification Sherloc (09022015). Collection method: clinical testing. Allele origin: germline.
Comment: This sequence change replaces serine, which is neutral and polar, with asparagine, which is neutral and polar, at codon 1184 of the POLE protein (p.Ser1184Asn). This variant is not present in population databases (gnomAD no frequency). This variant has not been reported in the literature in individuals affected with POLE-related conditions. ClinVar contains an entry for this variant (Variation ID: 1732603). Invitae Evidence Modeling of protein sequence and biophysical properties (such as structural, functional, and spatial information, amino acid conservation, physicochemical variation, residue mobility, and thermodynamic stability) indicates that this missense variant is not expected to disrupt POLE protein function with a negative predictive value of 80%. In summary, the available evidence is currently insufficient to determine the role of this variant in disease. Therefore, it has been classified as a Variant of Uncertain Significance.

Ambry Genetics
Classification: Uncertain significance for Hereditary cancer-predisposing syndrome. Last evaluated: 2022-03-11. Review status: criteria provided, single submitter. Criteria: Ambry Variant Classification Scheme 2023. Collection method: clinical testing. Allele origin: germline.
Comment: The p.S1184N variant (also known as c.3551G>A), located in coding exon 29 of the POLE gene, results from a G to A substitution at nucleotide position 3551. The serine at codon 1184 is replaced by asparagine, an amino acid with highly similar properties. This amino acid position is conserved. In addition, this alteration is predicted to be tolerated by in silico analysis. Since supporting evidence is limited at this time, the clinical significance of this alteration remains unclear.